The following is an entry in ClinVar:

NM_001130438.3(SPTAN1):c.1937A>G (p.Lys646Arg)

Gene: SPTAN1 (spectrin alpha, non-erythrocytic 1; plus strand). Cytogenetic location: 9q34.11.
Variant type: single nucleotide variant.
Coding change: c.1937A>G on transcript NM_001130438.3 (MANE Select); coding-DNA position 1937, A replaced by G.
Protein change: p.Lys646Arg; replaces lysine 646 with arginine.
Molecular consequence: missense variant.
Genome position (GRCh38, 1-based): chr9:128,583,207, A>G. VCF-style: chr9-128583207-A-G. GRCh37 (hg19) VCF-style: chr9-131345486-A-G.
Other names: c.1937A>G, p.Lys646Arg (NM_001195532.2, NM_001363759.2, NM_001363765.2 and 5 more transcripts); c.1973A>G, p.Lys658Arg (NM_001375312.2, NM_001375318.1); short protein forms K646R, K658R.
Identifiers: ClinVar variation 3635903 (VCV003635903.2).

ClinVar aggregate classification (germline): Uncertain significance (1 of 4 stars; one submission).

Conditions:
Early-infantile DEE. Also called: Early infantile epileptic encephalopathy; Ohtahara syndrome; Early infantile epileptic encephalopathy with suppression bursts. Identifiers: Orphanet 1934, MedGen C0393706, MONDO:0800491.

Submission:

Labcorp Genetics (formerly Invitae), Labcorp
Classification: Uncertain significance for Early-infantile DEE. Last evaluated: 2024-03-16. Review status: criteria provided, single submitter. Criteria: Invitae Variant Classification Sherloc (09022015). Collection method: clinical testing. Allele origin: germline.
Comment: This sequence change replaces lysine, which is basic and polar, with arginine, which is basic and polar, at codon 646 of the SPTAN1 protein (p.Lys646Arg). This variant is not present in population databases (gnomAD no frequency). This variant has not been reported in the literature in individuals affected with SPTAN1-related conditions. Advanced modeling of protein sequence and biophysical properties (such as structural, functional, and spatial information, amino acid conservation, physicochemical variation, residue mobility, and thermodynamic stability) has been performed at Invitae for this missense variant, however the output from this modeling did not meet the statistical confidence thresholds required to predict the impact of this variant on SPTAN1 protein function. In summary, the available evidence is currently insufficient to determine the role of this variant in disease. Therefore, it has been classified as a Variant of Uncertain Significance.